The following is an entry in ClinVar:

ClinVar aggregate classification (germline): Uncertain significance. Review status: criteria provided, multiple submitters, no conflicts (2 of 4 stars). 2 submissions from 2 submitters: Uncertain significance (2). Last evaluated 2022-02-10.

Conditions:
Infantile nephronophthisis (NPHP2). Also called: Nephronophthisis 2; Nephronophthisis 2, infantile. Identifiers: Orphanet 655, Orphanet 93591, MedGen C1865872, MONDO:0011190, OMIM 602088.
Nephronophthisis. Also called: Juvenile Nephronophthisis. Identifiers: Orphanet 655, MedGen C0687120, MONDO:0019005, HP:0000090.

Allele frequency attached by ClinVar (database versions not stated): gnomAD 0.00001 and 0.00002; gnomAD exomes 0.00001 and 0.00002; ExAC 0.00002; TOPMed 0.00003; ESP Exome Variant Server 0.00008.
gnomAD v4.1: 21 of 1,613,998 alleles (0.0013%); highest among the groups gnomAD compares: Non-Finnish European, 0.0017%; no homozygotes.

Submissions (2):

Labcorp Genetics (formerly Invitae), Labcorp
Classification: Uncertain significance for Nephronophthisis. Last evaluated: 2022-02-10. Review status: criteria provided, single submitter. Criteria: Invitae Variant Classification Sherloc (09022015). Collection method: clinical testing. Allele origin: germline.
Comment: This sequence change replaces leucine, which is neutral and non-polar, with proline, which is neutral and non-polar, at codon 167 of the INVS protein (p.Leu167Pro). This variant is present in population databases (rs374420212, gnomAD 0.004%). This variant has not been reported in the literature in individuals affected with INVS-related conditions. Algorithms developed to predict the effect of missense changes on protein structure and function are either unavailable or do not agree on the potential impact of this missense change (SIFT: "Deleterious"; PolyPhen-2: "Probably Damaging"; Align-GVGD: "Class C0"). In summary, the available evidence is currently insufficient to determine the role of this variant in disease. Therefore, it has been classified as a Variant of Uncertain Significance.

Fulgent Genetics
Classification: Uncertain significance for Infantile nephronophthisis. Last evaluated: 2021-12-28. Review status: criteria provided, single submitter. Criteria: ACMG Guidelines, 2015. Collection method: clinical testing. Allele origin: unknown.

NM_014425.5(INVS):c.500T>C (p.Leu167Pro)

Gene: INVS (inversin; plus strand). Cytogenetic location: 9q31.1.
Variant type: single nucleotide variant.
Coding change: c.500T>C on transcript NM_014425.5 (MANE Select); coding-DNA position 500, T replaced by C.
Protein change: p.Leu167Pro; replaces leucine 167 with proline.
Molecular consequence: missense variant. On other transcripts: 5 prime UTR variant (1), non-coding transcript variant (1).
Genome position (GRCh38, 1-based): chr9:100,229,712, T>C. VCF-style: chr9-100229712-T-C. GRCh37 (hg19) VCF-style: chr9-102991994-T-C.
Other names: c.212T>C, p.Leu71Pro (NM_001318381.2); c.-490T>C (NM_001318382.2); short protein forms L167P, L71P.
Identifiers: ClinVar variation 1400782 (VCV001400782.5), dbSNP rs374420212, ClinGen allele CA5158178.